The following is an entry in ClinVar:

NC_000009.11:g.(?_12693997)_(12709182_?)dup

Gene: TYRP1 (tyrosinase related protein 1; plus strand). Cytogenetic location: 9p23.
Variant type: Duplication.
Identifiers: ClinVar variation 2423317 (VCV002423317.3).

ClinVar aggregate classification (germline): Uncertain significance (1 of 4 stars; one submission).

Submission:

Labcorp Genetics (formerly Invitae), Labcorp
Classification: Uncertain significance. Last evaluated: 2022-07-26. Review status: criteria provided, single submitter. Criteria: Invitae Variant Classification Sherloc (09022015). Collection method: clinical testing. Allele origin: germline.
Comment: A copy number gain of the genomic region encompassing the full coding sequence of the TYRP1 gene has been identified. The boundaries of this event are unknown as they extend beyond the assayed region for this gene and therefore may encompass additional genes. As the precise location of this event is unknown, it may be in tandem or it may be located elsewhere in the genome. This variant has not been reported in the literature in individuals affected with TYRP1-related conditions. In summary, the available evidence is currently insufficient to determine the role of this variant in disease. Therefore, it has been classified as a Variant of Uncertain Significance.